The following is an entry in ClinVar:

NM_139076.3(ABRAXAS1):c.413G>A (p.Ser138Asn)

Gene: ABRAXAS1 (abraxas 1, BRCA1 A complex subunit; minus strand). Cytogenetic location: 4q21.23.
Variant type: single nucleotide variant.
Coding change: c.413G>A on transcript NM_139076.3 (MANE Select); coding-DNA position 413, G replaced by A.
Protein change: p.Ser138Asn; replaces serine 138 with asparagine.
Molecular consequence: missense variant.
Genome position (GRCh38, 1-based): chr4:83,470,266, C>T on the plus strand (G>A on the coding strand, the complement: ABRAXAS1 is on the minus strand). VCF-style: chr4-83470266-C-T. GRCh37 (hg19) VCF-style: chr4-84391419-C-T.
Other names: c.86G>A, p.Ser29Asn (NM_001345962.2); short protein forms S138N, S29N.
Identifiers: ClinVar variation 1799853 (VCV001799853.2), dbSNP rs2529438054, ClinGen allele CA357259797.

ClinVar aggregate classification (germline): Uncertain significance (1 of 4 stars; one submission).

Submission:

Ambry Genetics
Classification: Uncertain significance. Last evaluated: 2021-09-08. Review status: criteria provided, single submitter. Criteria: Ambry Variant Classification Scheme 2023. Collection method: clinical testing. Allele origin: germline.
Comment: The p.S138N variant (also known as c.413G>A), located in coding exon 5 of the FAM175A gene, results from a G to A substitution at nucleotide position 413. The serine at codon 138 is replaced by asparagine, an amino acid with highly similar properties. This amino acid position is conserved. In addition, this alteration is predicted to be tolerated by in silico analysis. Since supporting evidence is limited at this time, the clinical significance of this alteration remains unclear.